The following is an entry in ClinVar:

NM_024334.3(TMEM43):c.928G>T (p.Gly310Cys)

Gene: TMEM43 (transmembrane protein 43; plus strand). Cytogenetic location: 3p25.1.
Variant type: single nucleotide variant.
Coding change: c.928G>T on transcript NM_024334.3 (MANE Select); coding-DNA position 928, G replaced by T.
Protein change: p.Gly310Cys; replaces glycine 310 with cysteine.
Molecular consequence: missense variant.
Genome position (GRCh38, 1-based): chr3:14,139,225, G>T. VCF-style: chr3-14139225-G-T. GRCh37 (hg19) VCF-style: chr3-14180725-G-T.
Other names: c.931G>T, p.Gly311Cys (NM_001407274.1); c.925G>T, p.Gly309Cys (NM_001407275.1, NM_001407276.1); c.922G>T, p.Gly308Cys (NM_001407277.1); c.913G>T, p.Gly305Cys (NM_001407278.1); c.853G>T, p.Gly285Cys (NM_001407279.1); c.778G>T, p.Gly260Cys (NM_001407280.1); short protein forms G308C, G309C, G260C, G305C, G310C, G311C, G285C.
Identifiers: ClinVar variation 2762644 (VCV002762644.3), dbSNP rs2470196749, ClinGen allele CA351536179.

ClinVar aggregate classification (germline): Uncertain significance (1 of 4 stars; one submission).

Conditions:
Arrhythmogenic right ventricular dysplasia 5. Also called: ARRHYTHMOGENIC RIGHT VENTRICULAR DYSPLASIA, FAMILIAL, 5; Arrhythmogenic Right Ventricular Dysplasia/Cardiomyopathy 5. Identifiers: MedGen C1858379, MONDO:0011459, OMIM 604400.

Allele frequency attached by ClinVar (database versions not stated): gnomAD exomes below 0.00001.
gnomAD v4.1: 1 of 1,614,166 alleles (0.000062%); highest among the groups gnomAD compares: East Asian, 0.0022%; no homozygotes.

Submission:

Labcorp Genetics (formerly Invitae), Labcorp
Classification: Uncertain significance for Arrhythmogenic right ventricular dysplasia 5. Last evaluated: 2023-09-22. Review status: criteria provided, single submitter. Criteria: Invitae Variant Classification Sherloc (09022015). Collection method: clinical testing. Allele origin: germline.
Comment: This sequence change replaces glycine, which is neutral and non-polar, with cysteine, which is neutral and slightly polar, at codon 310 of the TMEM43 protein (p.Gly310Cys). This variant is not present in population databases (gnomAD no frequency). This variant has not been reported in the literature in individuals affected with TMEM43-related conditions. Advanced modeling of protein sequence and biophysical properties (such as structural, functional, and spatial information, amino acid conservation, physicochemical variation, residue mobility, and thermodynamic stability) performed at Invitae indicates that this missense variant is not expected to disrupt TMEM43 protein function. In summary, the available evidence is currently insufficient to determine the role of this variant in disease. Therefore, it has been classified as a Variant of Uncertain Significance.